The following is an entry in ClinVar:

ClinVar aggregate classification (germline): Uncertain significance (1 of 4 stars; one submission).

gnomAD v4.1: 1 of 1,609,214 alleles (0.000062%); highest among the groups gnomAD compares: African/African-American, 0.0013%; no homozygotes.

Submission:

Ambry Genetics
Classification: Uncertain significance. Last evaluated: 2025-10-16. Review status: criteria provided, single submitter. Criteria: Ambry Variant Classification Scheme 2023. Collection method: clinical testing. Allele origin: germline.
Comment: The p.E471D variant (also known as c.1413G>C), located in coding exon 2 of the CDK12 gene, results from a G to C substitution at nucleotide position 1413. The glutamic acid at codon 471 is replaced by aspartic acid, an amino acid with highly similar properties. This amino acid position is conserved. In addition, this alteration is predicted to be tolerated by in silico analysis. Based on the available evidence, the clinical significance of this variant remains unclear.

NM_016507.4(CDK12):c.1413G>C (p.Glu471Asp)

Gene: CDK12 (cyclin dependent kinase 12; plus strand). Cytogenetic location: 17q12.
Variant type: single nucleotide variant.
Coding change: c.1413G>C on transcript NM_016507.4 (MANE Select); coding-DNA position 1413, G replaced by C.
Protein change: p.Glu471Asp; replaces glutamic acid 471 with aspartic acid.
Molecular consequence: missense variant.
Genome position (GRCh38, 1-based): chr17:39,471,245, G>C. VCF-style: chr17-39471245-G-C. GRCh37 (hg19) VCF-style: chr17-37627498-G-C.
Other names: c.1413G>C, p.Glu471Asp (NM_015083.4); short protein forms E471D.
Identifiers: ClinVar variation 4651383 (VCV004651383.1).
Genomic context (GRCh38, chr17:39,471,245, plus strand): 5'-AAAATTGGAAAAATCTGCCCCAGATACTGAACTGGTGAATGTAACACATCTAAACACAGA[G>C]GTAAAAAATTCTTCAGATACAGGGAAAGTAAAGTTGGATGAGAACTCCGAGAAGCATCTT-3'
Protein context (NP_057591.2, residues 461-481): ELVNVTHLNT[Glu471Asp]VKNSSDTGKV